The following is an entry in ClinVar:

ClinVar aggregate classification (germline): Uncertain significance (1 of 4 stars; one submission).

gnomAD v4.1: 7 of 1,614,148 alleles (0.00043%); highest among the groups gnomAD compares: South Asian, 0.0066%; no homozygotes.

Submission:

Labcorp Genetics (formerly Invitae), Labcorp
Classification: Uncertain significance. Last evaluated: 2025-04-29. Review status: criteria provided, single submitter. Criteria: Invitae Variant Classification Sherloc (09022015). Collection method: clinical testing. Allele origin: germline.
Comment: This sequence change replaces lysine, which is basic and polar, with threonine, which is neutral and polar, at codon 165 of the TRPM6 protein (p.Lys165Thr). This variant is present in population databases (rs769945162, gnomAD 0.01%). This variant has not been reported in the literature in individuals affected with TRPM6-related conditions. Invitae Evidence Modeling of protein sequence and biophysical properties (such as structural, functional, and spatial information, amino acid conservation, physicochemical variation, residue mobility, and thermodynamic stability) has been performed for this missense variant. However, the output from this modeling did not meet the statistical confidence thresholds required to predict the impact of this variant on TRPM6 protein function. In summary, the available evidence is currently insufficient to determine the role of this variant in disease. Therefore, it has been classified as a Variant of Uncertain Significance.

NM_017662.5(TRPM6):c.494A>C (p.Lys165Thr)

Gene: TRPM6 (transient receptor potential cation channel subfamily M member 6; minus strand). Cytogenetic location: 9q21.13.
Variant type: single nucleotide variant.
Coding change: c.494A>C on transcript NM_017662.5 (MANE Select); coding-DNA position 494, A replaced by C.
Protein change: p.Lys165Thr; replaces lysine 165 with threonine.
Molecular consequence: missense variant.
Genome position (GRCh38, 1-based): chr9:74,840,074, T>G on the plus strand (A>C on the coding strand, the complement: TRPM6 is on the minus strand). VCF-style: chr9-74840074-T-G. GRCh37 (hg19) VCF-style: chr9-77454990-T-G.
Other names: c.479A>C, p.Lys160Thr (NM_001177310.2, NM_001177311.2); short protein forms K160T, K165T.
Identifiers: ClinVar variation 4741465 (VCV004741465.1).